The following is an entry in ClinVar:

NM_144599.5(NIPA1):c.227-93C>T

Gene: NIPA1 (NIPA magnesium transporter 1; plus strand). Cytogenetic location: 15q11.2.
Variant type: single nucleotide variant.
Coding change: c.227-93C>T on transcript NM_144599.5 (MANE Select); 93 bases into the intron before coding-DNA position 227, C replaced by T.
Molecular consequence: intron variant.
Genome position (GRCh38, 1-based): chr15:22,812,070, C>T. VCF-style: chr15-22812070-C-T. GRCh37 (hg19) VCF-style: chr15-23060998-G-A.
Other names: c.2-93C>T (NM_001142275.1).
Identifiers: ClinVar variation 677771 (VCV000677771.2), dbSNP rs74003090, ClinGen allele CA14167867.

ClinVar aggregate classification (germline): Benign. Review status: criteria provided, multiple submitters, no conflicts (2 of 4 stars). 2 submissions from 2 submitters: Benign (2). Last evaluated 2018-06-14.

Allele frequency attached by ClinVar (database versions not stated): gnomAD exomes 0.01509; gnomAD 0.05971 and 0.06365; 1000 Genomes Project 0.06050; 1000 Genomes Project 30x 0.06324; TOPMed 0.06591.
gnomAD v4.1: 21,788 of 976,514 alleles (2.2%); highest among the groups gnomAD compares: African/African-American, 18%; 1,140 homozygotes.

Submissions (2):

GeneDx
Classification: Benign. Last evaluated: 2018-06-14. Review status: criteria provided, single submitter. Criteria: GeneDx Variant Classification (06012015). Collection method: clinical testing. Allele origin: germline. Affected: yes.
Comment: This variant is considered likely benign or benign based on one or more of the following criteria: it is a conservative change, it occurs at a poorly conserved position in the protein, it is predicted to be benign by multiple in silico algorithms, and/or has population frequency not consistent with disease.

Breakthrough Genomics
Classification: Benign. Review status: criteria provided, single submitter. Criteria: ACMG Guidelines, 2015. Collection method: not provided. Allele origin: germline. Inheritance: Autosomal dominant inheritance. Affected: yes.